The following is an entry in ClinVar:

ClinVar aggregate classification (germline): Uncertain significance (1 of 4 stars; one submission).

Submission:

Ambry Genetics
Classification: Uncertain significance. Last evaluated: 2026-09-07. Review status: criteria provided, single submitter. Criteria: Ambry Variant Classification Scheme 2023. Collection method: clinical testing. Allele origin: germline.
Comment: The p.A454S variant (also known as c.1360G>T), located in coding exon 6 of the WNK2 gene, results from a G to T substitution at nucleotide position 1360. The alanine at codon 454 is replaced by serine, an amino acid with similar properties. This amino acid position is conserved. In addition, this alteration is predicted to be tolerated by in silico analysis. Based on the available evidence, the clinical significance of this variant remains unclear.

NM_006648.4(WNK2):c.1360G>T (p.Ala454Ser)

Gene: WNK2 (WNK lysine deficient protein kinase 2; plus strand). Cytogenetic location: 9q22.31.
Variant type: single nucleotide variant.
Coding change: c.1360G>T on transcript NM_006648.4 (MANE Select); coding-DNA position 1360, G replaced by T.
Protein change: p.Ala454Ser; replaces alanine 454 with serine.
Molecular consequence: missense variant.
Genome position (GRCh38, 1-based): chr9:93,239,794, G>T. VCF-style: chr9-93239794-G-T. GRCh37 (hg19) VCF-style: chr9-96002076-G-T.
Other names: c.1360G>T, p.Ala454Ser (NM_001282394.3); short protein forms A454S.
Identifiers: ClinVar variation 5031978 (VCV005031978.1).